The following is an entry in ClinVar:

ClinVar aggregate classification (germline): Uncertain significance (1 of 4 stars; one submission).

Conditions:
Hereditary cancer-predisposing syndrome. Also called: Neoplastic Syndromes, Hereditary; Tumor predisposition; Hereditary Cancer Syndrome; Hereditary neoplastic syndrome. Identifiers: Orphanet 140162, MedGen C0027672, MeSH D009386, MONDO:0015356.

Submission:

Ambry Genetics
Classification: Uncertain significance for Hereditary cancer-predisposing syndrome. Last evaluated: 2015-09-09. Review status: criteria provided, single submitter. Criteria: Ambry Autosomal Dominant and X-Linked criteria (10/2015). Collection method: clinical testing. Allele origin: germline. Observed: 1 variant allele.
Comment: The p.E1266Q variant (also known as c.3796G>C), located in coding exon 28 of the NF1 gene, results from a G to C substitution at nucleotide position 3796. The glutamic acid at codon 1266 is replaced by glutamine, an amino acid with highly similar properties. This variant was not reported in population based cohorts in the following databases: Database of Single Nucleotide Polymorphisms (dbSNP), NHLBI Exome Sequencing Project (ESP), and 1000 Genomes Project. In the ESP, this variant was not observed in 6503 samples (13006 alleles) with coverage at this position. To date, this alteration has been detected with an allele frequency of approximately 0.002% (greater than 55000alleles tested) in our clinical cohort.This amino acid position is highly conserved in available vertebrate species. In addition, this alteration is predicted to be deleterious by in silico analysis.Since supporting evidence is limited at this time, the clinical significance of p.E1266Qremains unclear.

NM_001042492.3(NF1):c.3796G>C (p.Glu1266Gln)

Gene: NF1 (neurofibromin 1; plus strand). Cytogenetic location: 17q11.2.
Variant type: single nucleotide variant.
Coding change: c.3796G>C on transcript NM_001042492.3 (MANE Select); coding-DNA position 3796, G replaced by C.
Protein change: p.Glu1266Gln; replaces glutamic acid 1266 with glutamine.
Molecular consequence: missense variant.
Genome position (GRCh38, 1-based): chr17:31,235,698, G>C. VCF-style: chr17-31235698-G-C. GRCh37 (hg19) VCF-style: chr17-29562716-G-C.
Other names: c.3796G>C, p.Glu1266Gln (NM_000267.4); short protein forms E1266Q.
Identifiers: ClinVar variation 233826 (VCV000233826.3), dbSNP rs876660667, ClinGen allele CA10580294.